The following is an entry in ClinVar:

ClinVar aggregate classification (germline): Uncertain significance (1 of 4 stars; one submission).

Conditions:
Purine-nucleoside phosphorylase deficiency. Also called: Immunodeficiency due to purine nucleoside phosphorylase deficiency; NUCLEOSIDE PHOSPHORYLASE DEFICIENCY. Identifiers: Orphanet 760, MedGen C0268125, MONDO:0013171, OMIM 613179.

Allele frequency attached by ClinVar (database versions not stated): gnomAD exomes below 0.00001.
gnomAD v4.1: 1 of 1,614,226 alleles (0.000062%); highest among the groups gnomAD compares: South Asian, 0.0011%; no homozygotes.

Submission:

Labcorp Genetics (formerly Invitae), Labcorp
Classification: Uncertain significance for Purine-nucleoside phosphorylase deficiency. Last evaluated: 2021-11-01. Review status: criteria provided, single submitter. Criteria: Invitae Variant Classification Sherloc (09022015). Collection method: clinical testing. Allele origin: germline.
Comment: This sequence change replaces asparagine, which is neutral and polar, with lysine, which is basic and polar, at codon 74 of the PNP protein (p.Asn74Lys). In summary, the available evidence is currently insufficient to determine the role of this variant in disease. Therefore, it has been classified as a Variant of Uncertain Significance. Algorithms developed to predict the effect of sequence changes on RNA splicing suggest that this variant may create or strengthen a splice site. Algorithms developed to predict the effect of missense changes on protein structure and function (SIFT, PolyPhen-2, Align-GVGD) all suggest that this variant is likely to be tolerated. This variant has not been reported in the literature in individuals affected with PNP-related conditions. This variant is present in population databases (no rsID available, gnomAD 0.003%).

NM_000270.4(PNP):c.222T>A (p.Asn74Lys)

Gene: PNP (purine nucleoside phosphorylase; plus strand). Cytogenetic location: 14q11.2.
Variant type: single nucleotide variant.
Coding change: c.222T>A on transcript NM_000270.4 (MANE Select); coding-DNA position 222, T replaced by A.
Protein change: p.Asn74Lys; replaces asparagine 74 with lysine.
Molecular consequence: missense variant.
Genome position (GRCh38, 1-based): chr14:20,474,512, T>A. VCF-style: chr14-20474512-T-A. GRCh37 (hg19) VCF-style: chr14-20942671-T-A.
Other names: short protein forms N74K.
Identifiers: ClinVar variation 1485857 (VCV001485857.6), dbSNP rs1231774478, ClinGen allele CA389144913.